The following is an entry in ClinVar:

ClinVar aggregate classification (germline): Uncertain significance (1 of 4 stars; one submission).

gnomAD v4.1: 6 of 1,613,704 alleles (0.00037%); highest among the groups gnomAD compares: Non-Finnish European, 0.00051%; no homozygotes.

Submission:

Labcorp Genetics (formerly Invitae), Labcorp
Classification: Uncertain significance. Last evaluated: 2025-12-29. Review status: criteria provided, single submitter. Criteria: Invitae Variant Classification Sherloc (09022015). Collection method: clinical testing. Allele origin: germline.
Comment: This sequence change replaces arginine, which is basic and polar, with tryptophan, which is neutral and slightly polar, at codon 629 of the SAMD9L protein (p.Arg629Trp). This variant is not present in population databases (gnomAD no frequency). This variant has not been reported in the literature in individuals affected with SAMD9L-related conditions. Invitae Evidence Modeling of protein sequence and biophysical properties (such as structural, functional, and spatial information, amino acid conservation, physicochemical variation, residue mobility, and thermodynamic stability) indicates that this missense variant is expected to disrupt SAMD9L protein function with a positive predictive value of 80%. In summary, the available evidence is currently insufficient to determine the role of this variant in disease. Therefore, it has been classified as a Variant of Uncertain Significance.

NM_152703.5(SAMD9L):c.1885C>T (p.Arg629Trp)

Gene: SAMD9L (sterile alpha motif domain containing 9 like; minus strand). Cytogenetic location: 7q21.2.
Variant type: single nucleotide variant.
Coding change: c.1885C>T on transcript NM_152703.5 (MANE Select); coding-DNA position 1885, C replaced by T.
Protein change: p.Arg629Trp; replaces arginine 629 with tryptophan.
Molecular consequence: missense variant.
Genome position (GRCh38, 1-based): chr7:93,134,087, G>A on the plus strand (C>T on the coding strand, the complement: SAMD9L is on the minus strand). VCF-style: chr7-93134087-G-A. GRCh37 (hg19) VCF-style: chr7-92763400-G-A.
Other names: c.1885C>T, p.Arg629Trp (NM_001303496.3, NM_001303497.3, NM_001303498.3 and 5 more transcripts); short protein forms R629W.
Identifiers: ClinVar variation 4806545 (VCV004806545.1).